The following is an entry in ClinVar:

NM_000051.4(ATM):c.2250+4G>A

Gene: ATM (ATM serine/threonine kinase; plus strand). Cytogenetic location: 11q22.3.
Variant type: single nucleotide variant.
Coding change: c.2250+4G>A on transcript NM_000051.4 (MANE Select); 4 bases into the intron after coding-DNA position 2250, G replaced by A.
Molecular consequence: intron variant.
Genome position (GRCh38, 1-based): chr11:108,256,344, G>A. VCF-style: chr11-108256344-G-A. GRCh37 (hg19) VCF-style: chr11-108127071-G-A.
Other names: c.2250+4G>A (NM_001351834.2).
Identifiers: ClinVar variation 628647 (VCV000628647.8), dbSNP rs1565395217, ClinGen allele CA913188478.
Genomic context (GRCh38, chr11:108,256,344, plus strand): 5'-ATGGGTGTAATAGCTGAAGAGGAAGCATATAAGTCAGAATTATTCCAGAAAGCCAAGGTA[G>A]GAGAATTTATACTAATAAAGTTTCGGATAAATTTGAATGAAATGTATTCCTGTGAAAATT-3'

ClinVar aggregate classification (germline): Conflicting classifications of pathogenicity. Review status: criteria provided, conflicting classifications (1 of 4 stars). 4 submissions from 4 submitters: Uncertain significance (3); Likely benign (1). Last evaluated 2024-05-07.

Conditions:
Hereditary cancer-predisposing syndrome. Also called: Neoplastic Syndromes, Hereditary; Tumor predisposition; Hereditary neoplastic syndrome; Hereditary Cancer Syndrome. Identifiers: Orphanet 140162, MedGen C0027672, MeSH D009386, MONDO:0015356.
Familial cancer of breast. Also called: BREAST CANCER, FAMILIAL; Hereditary breast cancer; hereditary breast carcinoma. Identifiers: Orphanet 227535, MedGen C0346153, MONDO:0016419, OMIM 114480. Disease mechanism: loss of function.

Submissions (4):

Myriad Genetics, Inc.
Classification: Likely benign for Familial cancer of breast. Last evaluated: 2024-05-07. Review status: criteria provided, single submitter. Criteria: Myriad Autosomal Dominant, Autosomal Recessive and X-Linked Classification Criteria (2023). Collection method: clinical testing. Allele origin: unknown.
Comment: This variant is considered likely benign. This variant is intronic and is not expected to impact mRNA splicing.

Ambry Genetics
Classification: Uncertain significance for Hereditary cancer-predisposing syndrome. Last evaluated: 2024-04-29. Review status: criteria provided, single submitter. Criteria: Ambry Variant Classification Scheme 2023. Collection method: clinical testing. Allele origin: germline.
Comment: The c.2250+4G>A intronic variant results from a G to A substitution 4 nucleotides after coding exon 13 in the ATM gene. This nucleotide position is not well conserved in available vertebrate species. In silico splice site analysis predicts that this alteration will not have any significant effect on splicing; however, direct evidence is insufficient at this time (Ambry internal data). Since supporting evidence is limited at this time, the clinical significance of this alteration remains unclear.

KCCC/NGS Laboratory, Kuwait Cancer Control Center
Classification: Uncertain significance for Familial cancer of breast. Last evaluated: 2023-06-06. Review status: criteria provided, single submitter. Criteria: ACMG Guidelines, 2015. Collection method: clinical testing. Allele origin: germline. Affected: yes.
Comment: a variant of uncertain significance was detected in the ATM gene (c.2250+4G>A).The c.2250+4G>A intronic variant results from a G to A substitution 4 nucleotides after coding exon 13 in the ATM gene. This variant does not have a gnomAD exomes entry. ClinVar contains an entry for this variant (Variation ID: 628647) with 2 submissions, all of which describe it as of uncertain significance. This nucleotide position is not well conserved (PhyloP100way=0.007). In silico splice site analysis predicts that this alteration will not have any significant effect on splicing.In-silico predictions show benign computational verdict based on CADD , DANN , dbscSNV and Polyphen2 . Since supporting evidence is limited at this time, the clinical significance of this alteration remains unclear.Therefore, it has been classified as a Variant of Uncertain Significance.

Color Diagnostics, LLC DBA Color Health
Classification: Uncertain significance for Hereditary cancer-predisposing syndrome. Last evaluated: 2018-12-14. Review status: criteria provided, single submitter. Criteria: ACMG Guidelines, 2015. Collection method: clinical testing. Allele origin: germline.